The following is an entry in ClinVar:

NM_022455.5(NSD1):c.5304-2A>G

Genes: NSD1 (nuclear receptor binding SET domain protein 1; plus strand), LOC126807619 (MED14-independent group 3 enhancer GRCh37_chr5:176696443-176697642; plus strand). Cytogenetic location: 5q35.3.
Variant type: single nucleotide variant.
Coding change: c.5304-2A>G on transcript NM_022455.5 (MANE Select); the canonical splice acceptor site of the intron before coding-DNA position 5304, A replaced by G.
Molecular consequence: splice acceptor variant.
Genome position (GRCh38, 1-based): chr5:177,269,600, A>G. VCF-style: chr5-177269600-A-G. GRCh37 (hg19) VCF-style: chr5-176696601-A-G.
Other names: c.5304-2A>G (NM_001409301.1, NM_001409302.1, NM_001409303.1); c.4884-2A>G (NM_001409304.1); c.4551-2A>G (NM_001409305.1); c.4542-2A>G (NM_001409306.1, NM_001409307.1); c.4431-2A>G (NM_001409308.1, NM_172349.5, NM_001409309.1 and 1 more transcripts).
Identifiers: ClinVar variation 2627905 (VCV002627905.1), dbSNP rs2149934215, ClinGen allele CA362306596.

ClinVar aggregate classification (germline): Pathogenic (1 of 4 stars; one submission).

Conditions:
Sotos syndrome (SOTOS). Also called: SOTOS SYNDROME 1; Sotos' syndrome; Distinctive facial appearance, overgrowth in childhood, and learning disabilities or delayed development; CEREBRAL GIGANTISM; CHROMOSOME 5q35 DELETION SYNDROME. Identifiers: Orphanet 821, MedGen C0175695, MONDO:0019349, OMIM 117550.

Submission:

Illumina Laboratory Services, Illumina
Classification: Pathogenic for Sotos syndrome. Last evaluated: 2023-08-23. Review status: criteria provided, single submitter. Criteria: ICSLVariantClassificationCriteria RUGD 01 April 2020. Collection method: clinical testing. Allele origin: unknown.
Comment: The NSD1 c.5304-2A>G variant results in a substitution at the consensus splice acceptor site, which may result in splicing defects. To our knowledge, this variant has not been reported in the peer-reviewed literature. However, other splice variants that are predicted to result in the same splicing event have been reported in individuals with phenotypes consistent with Sotos syndrome (PMID: 12464997;14571271; 36919607). This variant is not observed in version 2.1.1 or version 3.1.2 of the Genome Aggregation Database. Based on the available evidence, the c.5304-2A>G variant is classified as pathogenic for Sotos syndrome.

Literature cited by the submitters: PubMed 12464997; PubMed 14571271; PubMed 36919607.